The following is an entry in ClinVar:

ClinVar aggregate classification (germline): Uncertain significance (1 of 4 stars; one submission).

Conditions:
IFT74-related disorder. Also called: IFT74-Related Disorders; IFT74-related condition.

Submission:

PreventionGenetics, part of Exact Sciences
Classification: Uncertain significance for IFT74-related condition. Last evaluated: 2024-11-27. Review status: criteria provided, single submitter. Criteria: ACMG Guidelines, 2015. Collection method: clinical testing. Allele origin: germline.
Comment: The IFT74 c.1010T>C variant is predicted to result in the amino acid substitution p.Ile337Thr. To our knowledge, this variant has not been reported in the literature. This variant is reported in 0.00090% of alleles in individuals of European (Non-Finnish) descent in gnomAD. At this time, the clinical significance of this variant is uncertain due to the absence of conclusive functional and genetic evidence.

NM_025103.4(IFT74):c.1010T>C (p.Ile337Thr)

Gene: IFT74 (intraflagellar transport 74; plus strand). Cytogenetic location: 9p21.2.
Variant type: single nucleotide variant.
Coding change: c.1010T>C on transcript NM_025103.4 (MANE Select); coding-DNA position 1010, T replaced by C.
Protein change: p.Ile337Thr; replaces isoleucine 337 with threonine.
Molecular consequence: missense variant.
Genome position (GRCh38, 1-based): chr9:27,029,060, T>C. VCF-style: chr9-27029060-T-C. GRCh37 (hg19) VCF-style: chr9-27029058-T-C.
Other names: c.1010T>C, p.Ile337Thr (NM_001099222.3, NM_001099223.3, NM_001099224.3 and 1 more transcripts); short protein forms I337T.
Identifiers: ClinVar variation 5001459 (VCV005001459.1).
Genomic context (GRCh38, chr9:27,029,060, plus strand): 5'-AATTCATTAAAAATATTTTCAACAGGTTAACAGATACAAAAGAAAAGATAAATCAGTTTA[T>C]TGAAGAAATTAGACAACTTGACATGGATTTAGAGGAACACCAAGGTATGCTTCTGGTATT-3'
Protein context (NP_079379.2, residues 327-347): TDTKEKINQF[Ile337Thr]EEIRQLDMDL